The following is an entry in ClinVar:

NM_015474.4(SAMHD1):c.-39C>A

Gene: SAMHD1 (SAM and HD domain containing deoxynucleoside triphosphate triphosphohydrolase 1; minus strand). Cytogenetic location: 20q11.23.
Variant type: single nucleotide variant.
Coding change: c.-39C>A on transcript NM_015474.4 (MANE Select); 39 bases upstream of the start codon, C replaced by A.
Molecular consequence: 5 prime UTR variant.
Genome position (GRCh38, 1-based): chr20:36,951,682, G>T on the plus strand (C>A on the coding strand, the complement: SAMHD1 is on the minus strand). VCF-style: chr20-36951682-G-T. GRCh37 (hg19) VCF-style: chr20-35580085-G-T.
Other names: c.-39C>A (NM_001363729.2, NM_001363733.2).
Identifiers: ClinVar variation 338354 (VCV000338354.6), dbSNP rs368233437, ClinGen allele CA9844876.
Genomic context (GRCh38, chr20:36,951,682, plus strand): 5'-GCTCGGAATCGGCTCGCTGCATGGCTACACCTGGCGTCCGGCACAGCAGTCAAGAACCTC[G>T]GCGCCGGACCCGCGCGCAGGCGCACTGACAGCAGGGCCCTGGCGGGGAGTCCAAGGAGTA-3'

ClinVar aggregate classification (germline): Conflicting classifications of pathogenicity. Review status: criteria provided, conflicting classifications (1 of 4 stars). 3 submissions from 2 submitters: Uncertain significance (1); Benign (1); Likely benign (1). Last evaluated 2018-06-25.

Conditions:
Aicardi-Goutieres syndrome 5. Identifiers: Orphanet 51, MedGen C2749659, MONDO:0013059, OMIM 612952.
Chilblain lupus 2 (CHBL2). Identifiers: MedGen C3280721, MONDO:0013739, OMIM 614415.

Allele frequency attached by ClinVar (database versions not stated): gnomAD 0.00038; TOPMed 0.00045; ESP Exome Variant Server 0.00054.
gnomAD v4.1: 695 of 1,610,402 alleles (0.043%); highest among the groups gnomAD compares: Middle Eastern, 0.55%; no homozygotes.

Submissions (3):

Blueprint Genetics
Classification: Likely benign. Last evaluated: 2018-06-25. Review status: criteria provided, single submitter. Criteria: ACMG Guidelines, 2015. Collection method: clinical testing. Allele origin: germline.

Illumina Laboratory Services, Illumina
Classification: Benign for Chilblain lupus 2. Last evaluated: 2018-01-12. Review status: criteria provided, single submitter. Criteria: ICSL Variant Classification Criteria 13 December 2019. Collection method: clinical testing. Allele origin: germline.
Comment: This variant was observed in the ICSL laboratory as part of a predisposition screen in an ostensibly healthy population. It had not been previously curated by ICSL or reported in the Human Gene Mutation Database (HGMD: prior to June 1st, 2018), and was therefore a candidate for classification through an automated scoring system. Utilizing variant allele frequency, disease prevalence and penetrance estimates, and inheritance mode, an automated score was calculated to assess if this variant is too frequent to cause the disease. Based on the score and internal cut-off values, a variant classified as benign is not then subjected to further curation. The score for this variant resulted in a classification of benign for this disease.

Illumina Laboratory Services, Illumina
Classification: Uncertain significance for Aicardi-Goutieres syndrome 5. Last evaluated: 2018-01-12. Review status: criteria provided, single submitter. Criteria: ICSL Variant Classification Criteria 13 December 2019. Collection method: clinical testing. Allele origin: germline.